The following is an entry in ClinVar:

NM_001330063.2(ANKFY1):c.2583C>T (p.Ser861=)

Genes: ANKFY1 (ankyrin repeat and FYVE domain containing 1; minus strand), LOC126862466 (MED14-independent group 3 enhancer GRCh37_chr17:4081807-4083006; plus strand). Cytogenetic location: 17p13.2.
Variant type: single nucleotide variant.
Coding change: c.2583C>T on transcript NM_001330063.2 (MANE Select); coding-DNA position 2583, C replaced by T.
Protein change: p.Ser861=; no amino-acid change (serine 861 retained).
Molecular consequence: synonymous variant. On other transcripts: non-coding transcript variant (1).
Genome position (GRCh38, 1-based): chr17:4,178,872, G>A on the plus strand (C>T on the coding strand, the complement: ANKFY1 is on the minus strand). VCF-style: chr17-4178872-G-A. GRCh37 (hg19) VCF-style: chr17-4082167-G-A.
Other names: c.2709C>T, p.Ser903= (NM_001257999.3); c.2586C>T, p.Ser862= (NM_016376.5).
Identifiers: ClinVar variation 3358592 (VCV003358592.1).
Genomic context (GRCh38, chr17:4,178,872, plus strand): 5'-CGACGCCCAGGACCATGTGGAGAAGGTCAGGTGTTATTCACTCACCTGCTCAGCAGCCCC[G>A]GACTCTCGTTTGAGAATGGCCTCGGCTGACTTGTTGTTCTTGAAAGTCATGGCACAGGCA-3'
Protein context (NP_001316992.1, residues 851-871): KSAEAILKRE[Ser861=]GAAEQVDNKG

ClinVar aggregate classification (germline): Likely benign (0 of 4 stars; one submission).

Conditions:
ANKFY1-related disorder. Also called: ANKFY1-related condition.

gnomAD v4.1: 29 of 1,614,060 alleles (0.0018%); highest among the groups gnomAD compares: East Asian, 0.0045%; no homozygotes.

Submission:

PreventionGenetics, part of Exact Sciences
Classification: Likely benign for ANKFY1-related condition. Last evaluated: 2024-08-17. Review status: no assertion criteria provided. Collection method: clinical testing. Allele origin: germline.
Comment: This variant is classified as likely benign based on ACMG/AMP sequence variant interpretation guidelines (Richards et al. 2015 PMID: 25741868, with internal and published modifications).